The following is an entry in ClinVar:

NM_017415.3(KLHL3):c.718C>T (p.Arg240Ter)

Gene: KLHL3 (kelch like family member 3; minus strand). Cytogenetic location: 5q31.2.
Variant type: single nucleotide variant.
Coding change: c.718C>T on transcript NM_017415.3 (MANE Select); coding-DNA position 718, C replaced by T.
Protein change: p.Arg240Ter; replaces arginine 240 with a stop codon.
Molecular consequence: nonsense.
Genome position (GRCh38, 1-based): chr5:137,661,950, G>A on the plus strand (C>T on the coding strand, the complement: KLHL3 is on the minus strand). VCF-style: chr5-137661950-G-A. GRCh37 (hg19) VCF-style: chr5-136997639-G-A.
Other names: c.622C>T, p.Arg208Ter (NM_001257194.1); c.472C>T, p.Arg158Ter (NM_001257195.2); c.718C>T (NM_017415.2); short protein forms R240*, R158*, R208*.
Identifiers: ClinVar variation 30519 (VCV000030519.6), dbSNP rs199469638, ClinGen allele CA129304.

ClinVar aggregate classification (germline): Pathogenic. Review status: criteria provided, multiple submitters, no conflicts (2 of 4 stars). 4 submissions from 4 submitters: Pathogenic (2). 2 of the submissions do not count toward it. Last evaluated 2024-06-03.

Conditions:
Pseudohypoaldosteronism type 2D (PHA2D). Also called: Pseudohypoaldosteronism Type IID; FAMILIAL HYPERKALEMIC HYPERTENSION; PSEUDOHYPOALDOSTERONISM, TYPE IID, AUTOSOMAL DOMINANT OR RECESSIVE. Identifiers: Orphanet 300525, Orphanet 757, MedGen C3469605, MONDO:0013781, OMIM 614495.
Pseudohypoaldosteronism type 2A (PHA2A). Also called: HYPERTENSIVE HYPERKALEMIA, FAMILIAL; GORDON HYPERKALEMIA-HYPERTENSION SYNDROME. Identifiers: Orphanet 757, Orphanet 88938, MedGen C1840389, MONDO:0007772, OMIM 145260.

Allele frequency attached by ClinVar (database versions not stated): gnomAD exomes below 0.00001; gnomAD 0.00001; TOPMed 0.00002.
gnomAD v4.1: 4 of 1,611,146 alleles (0.00025%); highest among the groups gnomAD compares: Admixed American, 0.005%; no homozygotes.

Submissions (4):

Fulgent Genetics
Classification: Pathogenic for Pseudohypoaldosteronism type 2D. Last evaluated: 2024-06-03. Review status: criteria provided, single submitter. Criteria: ACMG Guidelines, 2015. Collection method: clinical testing. Allele origin: germline.

GeneDx
Classification: Pathogenic. Last evaluated: 2024-04-25. Review status: criteria provided, single submitter. Criteria: GeneDx Variant Classification Process June 2021. Collection method: clinical testing. Allele origin: germline. Affected: yes.
Comment: Nonsense variant predicted to result in protein truncation or nonsense mediated decay in a gene for which loss of function is a known mechanism of disease; Not observed at significant frequency in large population cohorts (gnomAD); This variant is associated with the following publications: (PMID: 22266938)

OMIM
Classification: Pathogenic for PSEUDOHYPOALDOSTERONISM, TYPE IID, AUTOSOMAL RECESSIVE. Last evaluated: 2012-01-22. Review status: no assertion criteria provided. Collection method: literature only. Allele origin: germline. Not counted in ClinVar's aggregate classification.

Richard Lifton Laboratory, Yale University School of Medicine
Classification: Pathogenic for Pseudohypoaldosteronism, type 2. Review status: no assertion criteria provided. Collection method: not provided. Allele origin: germline. Not counted in ClinVar's aggregate classification.
Comment: recessive;BACK domain
ClinVar note: Converted during submission from pathogenic to Pathogenic.

Literature cited by the submitters: PubMed 22266938 (cited by OMIM).